The following is an entry in ClinVar:

ClinVar aggregate classification (germline): Uncertain significance. Review status: criteria provided, multiple submitters, no conflicts (2 of 4 stars). 2 submissions from 2 submitters: Uncertain significance (2). Last evaluated 2025-11-03.

Conditions:
Bloom syndrome (BLM). Also called: Bloom-Torre-Machacek syndrome. Identifiers: Orphanet 125, MedGen C0005859, MONDO:0008876, OMIM 210900.

Submissions (2):

Labcorp Genetics (formerly Invitae), Labcorp
Classification: Uncertain significance for Bloom syndrome. Last evaluated: 2025-11-03. Review status: criteria provided, single submitter. Criteria: Invitae Variant Classification Sherloc (09022015). Collection method: clinical testing. Allele origin: germline.
Comment: This sequence change creates a premature translational stop signal (p.Ser1361Valfs*5) in the BLM gene. While this is not anticipated to result in nonsense mediated decay, it is expected to disrupt the last 57 amino acid(s) of the BLM protein. This variant is not present in population databases (gnomAD no frequency). This variant has not been reported in the literature in individuals affected with BLM-related conditions. ClinVar contains an entry for this variant (Variation ID: 1696263). Experimental studies and prediction algorithms are not available or were not evaluated, and the functional significance of this variant is currently unknown. RNA analysis performed to evaluate the impact of this premature translational stop signal on mRNA splicing indicates it does not significantly alter splicing (internal data). In summary, the available evidence is currently insufficient to determine the role of this variant in disease. Therefore, it has been classified as a Variant of Uncertain Significance.

Women's Health and Genetics/Laboratory Corporation of America, LabCorp
Classification: Uncertain significance. Last evaluated: 2022-05-19. Review status: criteria provided, single submitter. Criteria: LabCorp Variant Classification Summary - May 2015. Collection method: clinical testing. Allele origin: germline.
Comment: Variant summary: BLM c.4080dupG (p.Ser1361ValfsX5) results in a premature termination codon and it is predicted to disrupt the last 57 amino acids and caused a truncation of the encoded protein. Truncations downstream of this position have been classified as uncertain significance in ClinVar database. The variant was absent in 251248 control chromosomes (gnomAD). To our knowledge, no occurrence of c.4080dupG in individuals affected with Bloom Syndrome and no experimental evidence demonstrating its impact on protein function have been reported. No clinical diagnostic laboratories have submitted clinical-significance assessments for this variant to ClinVar after 2014. Based on the evidence outlined above, the variant was classified as VUS-possibly pathogenic.

NM_000057.3(BLM):c.4080dupG

Gene: BLM (BLM RecQ like helicase; plus strand). Cytogenetic location: 15q26.1.
Variant type: Duplication.
Coding change: c.4080dupG on transcript NM_000057.3; coding-DNA position 4080, one base duplicated (G).
Genome position (GRCh38, 1-based): chr15:90,815,105, G duplicated; the last of 5 consecutive G bases (chr15:90,815,101-90,815,105); duplicating any one gives the same sequence. VCF-style (leftmost placement, unchanged base first): chr15-90815100-A-AG. GRCh37 (hg19) VCF-style: chr15-91358330-A-AG.
Identifiers: ClinVar variation 1696263 (VCV001696263.1), dbSNP rs2151202230, ClinGen allele CA2580090305.